The following is an entry in ClinVar:

ClinVar aggregate classification (germline): Uncertain significance (1 of 4 stars; one submission).

Submission:

GeneDx
Classification: Uncertain significance. Last evaluated: 2025-03-19. Review status: criteria provided, single submitter. Criteria: GeneDx Variant Classification Process June 2021. Collection method: clinical testing. Allele origin: germline. Affected: yes.
Comment: Not observed at significant frequency in large population cohorts (gnomAD); In silico analysis supports that this missense variant has a deleterious effect on protein structure/function; Has not been previously published as pathogenic or benign to our knowledge

NM_001395159.1(UNC79):c.5132C>T (p.Pro1711Leu)

Gene: UNC79 (unc-79 subunit of NALCN channel complex; plus strand). Cytogenetic location: 14q32.12.
Variant type: single nucleotide variant.
Coding change: c.5132C>T on transcript NM_001395159.1 (MANE Select); coding-DNA position 5132, C replaced by T.
Protein change: p.Pro1711Leu; replaces proline 1711 with leucine.
Molecular consequence: missense variant.
Genome position (GRCh38, 1-based): chr14:93,622,149, C>T. VCF-style: chr14-93622149-C-T. GRCh37 (hg19) VCF-style: chr14-94088495-C-T.
Other names: c.5066C>T, p.Pro1689Leu (NM_001346218.2); c.4385C>T, p.Pro1462Leu (NM_020818.5); short protein forms P1462L, P1689L, P1711L.
Identifiers: ClinVar variation 4086287 (VCV004086287.1).